The following is an entry in ClinVar:

ClinVar aggregate classification (germline): Likely benign. Review status: criteria provided, multiple submitters, no conflicts (2 of 4 stars). 3 submissions from 3 submitters: Likely benign (2). 1 of the submissions does not count toward it. Last evaluated 2025-12-03.

Conditions:
RPS10-related disorder. Also called: RPS10-related condition.
Diamond-Blackfan anemia. Also called: Blackfan Diamond syndrome; Aregenerative anemia chronic congenital; Red cell aplasia, pure hereditary; Congenital hypoplastic anemia; Aase syndrome. Identifiers: Orphanet 124, MedGen C1260899, MeSH D029503, MONDO:0015253, HP:0004810.

Submissions (3):

Labcorp Genetics (formerly Invitae), Labcorp
Classification: Likely benign for Diamond-Blackfan anemia. Last evaluated: 2025-12-03. Review status: criteria provided, single submitter. Criteria: Invitae Variant Classification Sherloc (09022015). Collection method: clinical testing. Allele origin: germline.

Blueprint Genetics
Classification: Likely benign. Last evaluated: 2022-05-24. Review status: criteria provided, single submitter. Criteria: ACMG Guidelines, 2015. Collection method: clinical testing. Allele origin: germline.

PreventionGenetics, part of Exact Sciences
Classification: Likely benign for RPS10-related condition. Last evaluated: 2020-08-13. Review status: no assertion criteria provided. Collection method: clinical testing. Allele origin: germline. Not counted in ClinVar's aggregate classification.
Comment: This variant is classified as likely benign based on ACMG/AMP sequence variant interpretation guidelines (Richards et al. 2015 PMID: 25741868, with internal and published modifications).

NM_001014.5(RPS10):c.150+9del

Genes: RPS10 (ribosomal protein S10; minus strand), RPS10-NUDT3 (RPS10-NUDT3 readthrough; minus strand). Cytogenetic location: 6p21.31.
Variant type: Deletion.
Coding change: c.150+9del on transcript NM_001014.5 (MANE Select); 9 bases into the intron after coding-DNA position 150, one base deleted (G; older notation c.150+9delG).
Molecular consequence: intron variant.
Genome position (GRCh38, 1-based): chr6:34,425,063, C deleted on the plus strand (G on the coding strand, the reverse complement: RPS10 is on the minus strand); the first of 3 consecutive C bases (chr6:34,425,063-34,425,065); deleting any one gives the same sequence. VCF-style (leftmost placement, unchanged base first): chr6-34425062-AC-A. GRCh37 (hg19) VCF-style: chr6-34392839-AC-A.
Other names: c.150+9del (NM_001202470.3, NM_001204091.2, NM_001203245.3).
Identifiers: ClinVar variation 416948 (VCV000416948.15), dbSNP rs372641476, ClinGen allele CA3765126.